The following is an entry in ClinVar:

ClinVar aggregate classification (germline): Uncertain significance. Review status: criteria provided, multiple submitters, no conflicts (2 of 4 stars). 3 submissions from 3 submitters: Uncertain significance (3). Last evaluated 2024-12-04.

Conditions:
Neurofibromatosis, type 1 (NF1). Also called: Peripheral type neurofibromatosis; VON RECKLINGHAUSEN DISEASE; Neurofibromatosis, type I; NEUROFIBROMATOSIS, TYPE I, SOMATIC. Identifiers: Orphanet 636, MedGen C0027831, MONDO:0018975, OMIM 162200. Disease mechanism: loss of function.
Cardiovascular phenotype. Identifiers: MedGen CN230736.
Hereditary cancer-predisposing syndrome. Also called: Hereditary neoplastic syndrome; Neoplastic Syndromes, Hereditary; Hereditary Cancer Syndrome; Tumor predisposition. Identifiers: Orphanet 140162, MedGen C0027672, MeSH D009386, MONDO:0015356.

Allele frequency attached by ClinVar (database versions not stated): gnomAD exomes below 0.00001.
gnomAD v4.1: 1 of 1,611,934 alleles (0.000062%); highest among the groups gnomAD compares: Non-Finnish European, 0.000085%; no homozygotes.

Submissions (3):

Ambry Genetics
Classification: Uncertain significance for Cardiovascular phenotype; Hereditary cancer-predisposing syndrome. Last evaluated: 2024-12-04. Review status: criteria provided, single submitter. Criteria: Ambry Variant Classification Scheme 2023. Collection method: clinical testing. Allele origin: germline.
Comment: The p.N839I variant (also known as c.2516A>T), located in coding exon 21 of the NF1 gene, results from an A to T substitution at nucleotide position 2516. The asparagine at codon 839 is replaced by isoleucine, an amino acid with dissimilar properties. This amino acid position is conserved. In addition, this alteration is predicted to be deleterious by in silico analysis. Based on the available evidence, the clinical significance of this variant remains unclear.

Women's Health and Genetics/Laboratory Corporation of America, LabCorp
Classification: Uncertain significance. Last evaluated: 2024-04-03. Review status: criteria provided, single submitter. Criteria: LabCorp Variant Classification Summary - May 2015. Collection method: clinical testing. Allele origin: germline.
Comment: Variant summary: NF1 c.2516A>T (p.Asn839Ile) results in a non-conservative amino acid change in the encoded protein sequence. Five of five in-silico tools predict a damaging effect of the variant on protein function. The variant was absent in 250460 control chromosomes. The available data on variant occurrences in the general population are insufficient to allow any conclusion about variant significance. To our knowledge, no occurrence of c.2516A>T in individuals affected with Neurofibromatosis Type 1 and no experimental evidence demonstrating its impact on protein function have been reported. ClinVar contains an entry for this variant (Variation ID: 572386). Based on the evidence outlined above, the variant was classified as uncertain significance.

Labcorp Genetics (formerly Invitae), Labcorp
Classification: Uncertain significance for Neurofibromatosis, type 1. Last evaluated: 2023-07-17. Review status: criteria provided, single submitter. Criteria: Invitae Variant Classification Sherloc (09022015). Collection method: clinical testing. Allele origin: germline.
Comment: In summary, the available evidence is currently insufficient to determine the role of this variant in disease. Therefore, it has been classified as a Variant of Uncertain Significance. Advanced modeling of protein sequence and biophysical properties (such as structural, functional, and spatial information, amino acid conservation, physicochemical variation, residue mobility, and thermodynamic stability) performed at Invitae indicates that this missense variant is expected to disrupt NF1 protein function. ClinVar contains an entry for this variant (Variation ID: 572386). This variant has not been reported in the literature in individuals affected with NF1-related conditions. This variant is not present in population databases (gnomAD no frequency). This sequence change replaces asparagine, which is neutral and polar, with isoleucine, which is neutral and non-polar, at codon 839 of the NF1 protein (p.Asn839Ile).

NM_001042492.3(NF1):c.2516A>T (p.Asn839Ile)

Gene: NF1 (neurofibromin 1; plus strand). Cytogenetic location: 17q11.2.
Variant type: single nucleotide variant.
Coding change: c.2516A>T on transcript NM_001042492.3 (MANE Select); coding-DNA position 2516, A replaced by T.
Protein change: p.Asn839Ile; replaces asparagine 839 with isoleucine.
Molecular consequence: missense variant.
Genome position (GRCh38, 1-based): chr17:31,229,131, A>T. VCF-style: chr17-31229131-A-T. GRCh37 (hg19) VCF-style: chr17-29556149-A-T.
Other names: c.2516A>T, p.Asn839Ile (NM_000267.4); short protein forms N839I.
Identifiers: ClinVar variation 572386 (VCV000572386.7), dbSNP rs1567848834, ClinGen allele CA398984152.